The following is an entry in ClinVar:

NM_000535.7(PMS2):c.2445+5G>T

Gene: PMS2 (PMS1 homolog 2, mismatch repair system component; minus strand). Cytogenetic location: 7p22.1.
Variant type: single nucleotide variant.
Coding change: c.2445+5G>T on transcript NM_000535.7 (MANE Select); 5 bases into the intron after coding-DNA position 2445, G replaced by T.
Molecular consequence: intron variant.
Genome position (GRCh38, 1-based): chr7:5,977,583, C>A on the plus strand (G>T on the coding strand, the complement: PMS2 is on the minus strand). VCF-style: chr7-5977583-C-A. GRCh37 (hg19) VCF-style: chr7-6017214-C-A.
Other names: c.2127+5G>T (NM_001322008.2, NM_001406883.1, NM_001322007.2); c.2136+5G>T (NM_001406881.1, NM_001406879.1, NM_001322015.2 and 4 more transcripts); c.2040+5G>T (NM_001406895.1, NM_001322004.2, NM_001406889.1 and 11 more transcripts); c.1674+5G>T (NM_001406911.1); c.1884+5G>T (NM_001322010.2, NM_001406906.1, NM_001406907.1); c.1971+5G>T (NM_001406902.1, NM_001406901.1); c.1932+5G>T (NM_001406904.1, NM_001406905.1); c.1872+5G>T (NM_001322013.2, NM_001406908.1, NM_001406909.1); and 20 more.
Identifiers: ClinVar variation 3669719 (VCV003669719.2).

ClinVar aggregate classification (germline): Uncertain significance (1 of 4 stars; one submission).

Conditions:
Hereditary nonpolyposis colorectal neoplasms. Identifiers: MedGen C0009405, MeSH D003123.

Submission:

Labcorp Genetics (formerly Invitae), Labcorp
Classification: Uncertain significance for Hereditary nonpolyposis colorectal neoplasms. Last evaluated: 2024-12-04. Review status: criteria provided, single submitter. Criteria: Invitae Variant Classification Sherloc (09022015). Collection method: clinical testing. Allele origin: germline.
Comment: This sequence change falls in intron 14 of the PMS2 gene. It does not directly change the encoded amino acid sequence of the PMS2 protein. It affects a nucleotide within the consensus splice site. The frequency data for this variant in the population databases (gnomAD) is considered unreliable due to the presence of homologous sequence, such as pseudogenes or paralogs, in the genome. This variant has not been reported in the literature in individuals affected with PMS2-related conditions. Variants that disrupt the consensus splice site are a relatively common cause of aberrant splicing (PMID: 17576681, 9536098). Algorithms developed to predict the effect of sequence changes on RNA splicing suggest that this variant may disrupt the consensus splice site. In summary, the available evidence is currently insufficient to determine the role of this variant in disease. Therefore, it has been classified as a Variant of Uncertain Significance.

Literature cited by the submitters: PubMed 17576681; PubMed 9536098.